The following is an entry in ClinVar:

NM_004369.4(COL6A3):c.6930+43G>C

Gene: COL6A3 (collagen type VI alpha 3 chain; minus strand). Cytogenetic location: 2q37.3.
Variant type: single nucleotide variant.
Coding change: c.6930+43G>C on transcript NM_004369.4 (MANE Select); 43 bases into the intron after coding-DNA position 6930, G replaced by C.
Molecular consequence: intron variant.
Genome position (GRCh38, 1-based): chr2:237,348,570, C>G on the plus strand (G>C on the coding strand, the complement: COL6A3 is on the minus strand). VCF-style: chr2-237348570-C-G. GRCh37 (hg19) VCF-style: chr2-238257213-C-G.
Other names: NC_000002.11:g.238257213C>G; c.5109+43G>C (NM_057166.5); c.6312+43G>C (NM_057167.4).
Identifiers: ClinVar variation 94974 (VCV000094974.12), dbSNP rs2646264, ClinGen allele CA148005.
Genomic context (GRCh38, chr2:237,348,570, plus strand): 5'-CAATTTTTAAAGAAATAATTCTTTTAAAACACAACACATCAGAAGTTGTCCTTGGAGCCT[C>G]CTGGCAGCAAGGACGCTTGGATAATCCTCAGCAGATACGTACTTTTTTGCCTCTGCGTCC-3'

ClinVar aggregate classification (germline): Benign. Review status: criteria provided, multiple submitters, no conflicts (2 of 4 stars). 5 submissions from 5 submitters: Benign (5). Last evaluated 2024-07-31.

Allele frequency attached by ClinVar (database versions not stated): ESP Exome Variant Server 0.10203; gnomAD exomes 0.10685 and 0.11483; gnomAD 0.10764 and 0.10822; 1000 Genomes Project 0.10903; TOPMed 0.10962; 1000 Genomes Project 30x 0.11118; ExAC 0.11344.
gnomAD v4.1: 170,339 of 1,593,010 alleles (11%); highest among the groups gnomAD compares: Admixed American, 17%; 9,430 homozygotes.

Submissions (7):

Unidad de Genómica Garrahan, Hospital de Pediatría Garrahan
Classification: Benign. Last evaluated: 2024-07-31. Review status: criteria provided, single submitter. Criteria: ACMG Guidelines, 2015. Collection method: clinical testing. Allele origin: germline. Affected: no. Observed: 35 variant alleles.
Comment: This variant is classified as Benign based on local population frequency. This variant was detected in 38% of patients studied in a panel designed for Epileptic and Developmental Encephalopathy, Progressive Myoclonus Epilepsy and Abnormal Movements and Neurodegeneration with brain iron accumulation. Number of patients: 35. Only high quality variants are reported.

GeneDx
Classification: Benign. Last evaluated: 2018-06-26. Review status: criteria provided, single submitter. Criteria: GeneDx Variant Classification Process June 2021. Collection method: clinical testing. Allele origin: germline. Affected: yes.

Eurofins Ntd Llc (ga)
Classification: Benign. Last evaluated: 2012-11-05. Review status: criteria provided, single submitter. Criteria: EGL Classification Definitions 2015. Collection method: clinical testing. Allele origin: germline. Observed: 14 variant alleles, 12 heterozygotes, 2 homozygotes.

Breakthrough Genomics
Classification: Benign. Review status: criteria provided, single submitter. Criteria: ACMG Guidelines, 2015. Collection method: not provided. Allele origin: germline. Inheritance: Autosomal recessive inheritance. Affected: yes.

PreventionGenetics, part of Exact Sciences
Classification: Benign. Review status: criteria provided, single submitter. Criteria: ACMG Guidelines, 2015. Collection method: clinical testing. Allele origin: germline.

Dr. Peter K. Rogan Lab, Western University
No classification provided (evidence only). Condition: Malignant lymphoma, large B-cell, diffuse. Review status: no classification provided. Collection method: in vitro. Allele origin: not applicable. Functional consequence: retained intron. Not counted in ClinVar's aggregate classification.

Dr. Peter K. Rogan Lab, Western University
No classification provided (evidence only). Condition: Germ cell tumor of testis. Review status: no classification provided. Collection method: in vitro. Allele origin: not applicable. Functional consequence: retained intron. Not counted in ClinVar's aggregate classification.